The following is an entry in ClinVar:

NM_005555.4(KRT6B):c.262G>A (p.Gly88Arg)

Gene: KRT6B (keratin 6B; minus strand). Cytogenetic location: 12q13.13.
Variant type: single nucleotide variant.
Coding change: c.262G>A on transcript NM_005555.4 (MANE Select); coding-DNA position 262, G replaced by A.
Protein change: p.Gly88Arg; replaces glycine 88 with arginine.
Molecular consequence: missense variant.
Genome position (GRCh38, 1-based): chr12:52,451,817, C>T on the plus strand (G>A on the coding strand, the complement: KRT6B is on the minus strand). VCF-style: chr12-52451817-C-T. GRCh37 (hg19) VCF-style: chr12-52845601-C-T.
Other names: short protein forms G88R.
Identifiers: ClinVar variation 3059172 (VCV003059172.2), dbSNP rs61914500, ClinGen allele CA6580899.
Genomic context (GRCh38, chr12:52,451,817, plus strand): 5'-TGCCGGCTCCACCACCGAAACCAAATCCACTCCCGGCGCCACCAAAGCCATAGCTGCCTC[C>T]GGCTCTGCTGCCATAGCCGCCACTGATGGCACAGCTGCCCCCTCCAATGGAGATCCTCTT-3'
Protein context (NP_005546.2, residues 78-98): AISGGYGSRA[Gly88Arg]GSYGFGGAGS

ClinVar aggregate classification (germline): Benign (0 of 4 stars; one submission).

Conditions:
KRT6B-related disorder. Also called: KRT6B-related condition.

Allele frequency attached by ClinVar (database versions not stated): ExAC 0.08128.

Submission:

PreventionGenetics, part of Exact Sciences
Classification: Benign for KRT6B-related condition. Last evaluated: 2024-01-03. Review status: no assertion criteria provided. Collection method: clinical testing. Allele origin: germline.
Comment: This variant is classified as benign based on ACMG/AMP sequence variant interpretation guidelines (Richards et al. 2015 PMID: 25741868, with internal and published modifications).